The following is an entry in ClinVar:

ClinVar aggregate classification (germline): Uncertain significance (1 of 4 stars; one submission).

Conditions:
Inborn genetic diseases. Identifiers: MedGen C0950123, MeSH D030342.

Submission:

Ambry Genetics
Classification: Uncertain significance for Inborn genetic diseases. Last evaluated: 2022-11-17. Review status: criteria provided, single submitter. Criteria: Ambry Variant Classification Scheme 2023. Collection method: clinical testing. Allele origin: germline.
Comment: The p.I2489M variant (also known as c.7467A>G), located in coding exon 51 of the LRRK2 gene, results from an A to G substitution at nucleotide position 7467. The isoleucine at codon 2489 is replaced by methionine, an amino acid with highly similar properties. This amino acid position is conserved. In addition, this alteration is predicted to be tolerated by in silico analysis. Since supporting evidence is limited at this time, the clinical significance of this alteration remains unclear.

NM_198578.4(LRRK2):c.7467A>G (p.Ile2489Met)

Gene: LRRK2 (leucine rich repeat kinase 2; plus strand). Cytogenetic location: 12q12.
Variant type: single nucleotide variant.
Coding change: c.7467A>G on transcript NM_198578.4 (MANE Select); coding-DNA position 7467, A replaced by G.
Protein change: p.Ile2489Met; replaces isoleucine 2489 with methionine.
Molecular consequence: missense variant.
Genome position (GRCh38, 1-based): chr12:40,367,648, A>G. VCF-style: chr12-40367648-A-G. GRCh37 (hg19) VCF-style: chr12-40761450-A-G.
Other names: short protein forms I2489M.
Identifiers: ClinVar variation 2447272 (VCV002447272.2), dbSNP rs2137060379, ClinGen allele CA384415994.